The following is an entry in ClinVar:

NM_015932.6(POMP):c.27_35del (p.Glu9_Lys11del)

Gene: POMP (proteasome maturation protein; plus strand). Cytogenetic location: 13q12.3.
Variant type: Deletion.
Coding change: c.27_35del on transcript NM_015932.6 (MANE Select); coding-DNA positions 27 to 35, 9 bases deleted (GCTAAAGGA; older notation c.27_35delGCTAAAGGA).
Protein change: p.Glu9_Lys11del.
Molecular consequence: inframe deletion.
Genome position (GRCh38, 1-based): chr13:28,662,433-28,662,441, GCTAAAGGA deleted; deleting any 9 consecutive bases within chr13:28,662,431-28,662,441 gives the same sequence; the c. name uses the placement nearest the transcript's 3' end. VCF-style (leftmost placement, unchanged base first): chr13-28662430-TGAGCTAAAG-T. GRCh37 (hg19) VCF-style: chr13-29236567-TGAGCTAAAG-T.
Identifiers: ClinVar variation 1991235 (VCV001991235.4), dbSNP rs752171019, ClinGen allele CA6930996.

ClinVar aggregate classification (germline): Uncertain significance (1 of 4 stars; one submission).

Submission:

Labcorp Genetics (formerly Invitae), Labcorp
Classification: Uncertain significance. Last evaluated: 2024-06-24. Review status: criteria provided, single submitter. Criteria: Invitae Variant Classification Sherloc (09022015). Collection method: clinical testing. Allele origin: germline.
Comment: This variant, c.27_35del, results in the deletion of 3 amino acid(s) of the POMP protein (p.Glu9_Lys11del), but otherwise preserves the integrity of the reading frame. This variant is present in population databases (rs752171019, gnomAD 0.002%). This variant has not been reported in the literature in individuals affected with POMP-related conditions. ClinVar contains an entry for this variant (Variation ID: 1991235). Experimental studies and prediction algorithms are not available or were not evaluated, and the functional significance of this variant is currently unknown. In summary, the available evidence is currently insufficient to determine the role of this variant in disease. Therefore, it has been classified as a Variant of Uncertain Significance.